The following is an entry in ClinVar:

NM_001242896.3(DEPDC5):c.2920C>T (p.Arg974Cys)

Gene: DEPDC5 (DEP domain containing 5, GATOR1 subcomplex subunit; plus strand). Cytogenetic location: 22q12.3.
Variant type: single nucleotide variant.
Coding change: c.2920C>T on transcript NM_001242896.3 (MANE Select); coding-DNA position 2920, C replaced by T.
Protein change: p.Arg974Cys; replaces arginine 974 with cysteine.
Molecular consequence: missense variant. On other transcripts: non-coding transcript variant (5).
Genome position (GRCh38, 1-based): chr22:31,845,136, C>T. VCF-style: chr22-31845136-C-T. GRCh37 (hg19) VCF-style: chr22-32241122-C-T.
Other names: c.2893C>T, p.Arg965Cys (NM_001136029.4, NM_001369903.1, NM_014662.6); c.2686C>T, p.Arg896Cys (NM_001242897.2, NM_001363854.2, NM_001364319.2); c.2920C>T, p.Arg974Cys (NM_001363852.2, NM_001364318.2, NM_001364320.2); c.2836C>T, p.Arg946Cys (NM_001369901.1, NM_001369902.1); short protein forms R965C, R974C, R946C, R896C.
Identifiers: ClinVar variation 1346270 (VCV001346270.6), dbSNP rs768342837, ClinGen allele CA10196832.
Genomic context (GRCh38, chr22:31,845,136, plus strand): 5'-ACCGCCACCAAGCGCATCACGGAGGGGGAGGCCCACTGCGACATCTATGGGGACAGGCCC[C>T]GTGCAGACGAGGACGAGTGGCAACTCCTGGATGGTTTTGTCCGCTTTGTGGAGGGCTTGA-3'
Protein context (NP_001229825.1, residues 964-984): AHCDIYGDRP[Arg974Cys]ADEDEWQLLD

ClinVar aggregate classification (germline): Uncertain significance (1 of 4 stars; one submission).

Conditions:
Familial focal epilepsy with variable foci (FPEVF). Identifiers: Orphanet 98820, MedGen C1858477, MONDO:0020310.

Allele frequency attached by ClinVar (database versions not stated): gnomAD 0.00001; ExAC 0.00003; gnomAD exomes 0.00003 and 0.00004; TOPMed 0.00003.
gnomAD v4.1: 64 of 1,614,192 alleles (0.004%); highest among the groups gnomAD compares: South Asian, 0.0077%; no homozygotes.

Submission:

Labcorp Genetics (formerly Invitae), Labcorp
Classification: Uncertain significance for Familial focal epilepsy with variable foci. Last evaluated: 2025-02-03. Review status: criteria provided, single submitter. Criteria: Invitae Variant Classification Sherloc (09022015). Collection method: clinical testing. Allele origin: germline.
Comment: This sequence change replaces arginine, which is basic and polar, with cysteine, which is neutral and slightly polar, at codon 974 of the DEPDC5 protein (p.Arg974Cys). This variant is present in population databases (rs768342837, gnomAD 0.005%). This variant has not been reported in the literature in individuals affected with DEPDC5-related conditions. ClinVar contains an entry for this variant (Variation ID: 1346270). Experimental studies and prediction algorithms are not available or were not evaluated, and the functional significance of this variant is currently unknown. In summary, the available evidence is currently insufficient to determine the role of this variant in disease. Therefore, it has been classified as a Variant of Uncertain Significance.